The following is an entry in ClinVar:

NM_001006658.3(CR2):c.3211C>A (p.Gln1071Lys)

Gene: CR2 (complement C3d receptor 2; plus strand). Cytogenetic location: 1q32.2.
Variant type: single nucleotide variant.
Coding change: c.3211C>A on transcript NM_001006658.3 (MANE Select); coding-DNA position 3211, C replaced by A.
Protein change: p.Gln1071Lys; replaces glutamine 1071 with lysine.
Molecular consequence: missense variant.
Genome position (GRCh38, 1-based): chr1:207,485,486, C>A. VCF-style: chr1-207485486-C-A. GRCh37 (hg19) VCF-style: chr1-207658831-C-A.
Other names: c.3034C>A, p.Gln1012Lys (NM_001877.5); short protein forms Q1012K, Q1071K.
Identifiers: ClinVar variation 661535 (VCV000661535.6), dbSNP rs369363360, ClinGen allele CA1369193.

ClinVar aggregate classification (germline): Uncertain significance. Review status: criteria provided, multiple submitters, no conflicts (2 of 4 stars). 4 submissions from 4 submitters: Uncertain significance (4). Last evaluated 2024-08-22.

Conditions:
Inborn genetic diseases. Identifiers: MedGen C0950123, MeSH D030342.
Immunodeficiency, common variable, 7. Identifiers: Orphanet 1572, Orphanet 696894, MedGen C3542922, MONDO:0013862, OMIM 614699.

Allele frequency attached by ClinVar (database versions not stated): ExAC 0.00001; TOPMed 0.00001; gnomAD exomes 0.00002; gnomAD 0.00003; ESP Exome Variant Server 0.00008; 1000 Genomes Project 30x 0.00016.
gnomAD v4.1: 25 of 1,611,158 alleles (0.0016%); highest among the groups gnomAD compares: African/African-American, 0.008%; no homozygotes.

Submissions (4):

Blueprint Genetics
Classification: Uncertain significance. Last evaluated: 2024-08-22. Review status: criteria provided, single submitter. Criteria: ACMG Guidelines, 2015. Collection method: clinical testing. Allele origin: germline.

Genome-Nilou Lab
Classification: Uncertain significance for Immunodeficiency, common variable, 7. Last evaluated: 2023-04-11. Review status: criteria provided, single submitter. Criteria: ACMG Guidelines, 2015. Collection method: clinical testing. Allele origin: germline. Affected: no.

Labcorp Genetics (formerly Invitae), Labcorp
Classification: Uncertain significance for Immunodeficiency, common variable, 7. Last evaluated: 2022-10-18. Review status: criteria provided, single submitter. Criteria: Invitae Variant Classification Sherloc (09022015). Collection method: clinical testing. Allele origin: germline.
Comment: This sequence change replaces glutamine, which is neutral and polar, with lysine, which is basic and polar, at codon 1071 of the CR2 protein (p.Gln1071Lys). This variant is present in population databases (rs369363360, gnomAD 0.004%). This variant has not been reported in the literature in individuals affected with CR2-related conditions. ClinVar contains an entry for this variant (Variation ID: 661535). Algorithms developed to predict the effect of missense changes on protein structure and function (SIFT, PolyPhen-2, Align-GVGD) all suggest that this variant is likely to be tolerated. In summary, the available evidence is currently insufficient to determine the role of this variant in disease. Therefore, it has been classified as a Variant of Uncertain Significance.

Ambry Genetics
Classification: Uncertain significance for Inborn genetic diseases. Last evaluated: 2021-07-27. Review status: criteria provided, single submitter. Criteria: Ambry Variant Classification Scheme 2023. Collection method: clinical testing. Allele origin: germline.